The following is an entry in ClinVar:

NM_001267550.2(TTN):c.53839G>A (p.Glu17947Lys)

Genes: TTN (titin; minus strand), TTN-AS1 (TTN antisense RNA 1; plus strand). Cytogenetic location: 2q31.2.
Variant type: single nucleotide variant.
Coding change: c.53839G>A on transcript NM_001267550.2 (MANE Select); coding-DNA position 53839, G replaced by A.
Protein change: p.Glu17947Lys; replaces glutamic acid 17947 with lysine.
Molecular consequence: missense variant.
Genome position (GRCh38, 1-based): chr2:178,605,456, C>T on the plus strand (G>A on the coding strand, the complement: TTN is on the minus strand). VCF-style: chr2-178605456-C-T. GRCh37 (hg19) VCF-style: chr2-179470183-C-T.
Other names: c.48916G>A, p.Glu16306Lys (NM_001256850.1); c.26644G>A, p.Glu8882Lys (NM_003319.4); c.46135G>A, p.Glu15379Lys (NM_133378.4); c.27019G>A, p.Glu9007Lys (NM_133432.3); c.27220G>A, p.Glu9074Lys (NM_133437.4); short protein forms E17947K, E16306K, E8882K, E15379K, E9007K, E9074K.
Identifiers: ClinVar variation 467259 (VCV000467259.17), dbSNP rs1445321949, ClinGen allele CA349560350.

ClinVar aggregate classification (germline): Uncertain significance. Review status: criteria provided, multiple submitters, no conflicts (2 of 4 stars). 2 submissions from 2 submitters: Uncertain significance (2). Last evaluated 2024-11-01.

Conditions:
Dilated cardiomyopathy 1G (CMD1G). Identifiers: Orphanet 154, MedGen C1858763, MONDO:0011400, OMIM 604145.
Autosomal recessive limb-girdle muscular dystrophy type 2J (LGMDR10). Also called: Limb-girdle muscular dystrophy, type 2J; MUSCULAR DYSTROPHY, LIMB-GIRDLE, AUTOSOMAL RECESSIVE 10. Identifiers: Orphanet 140922, MedGen C1837342, MONDO:0012127, OMIM 608807.

Allele frequency attached by ClinVar (database versions not stated): gnomAD 0.00001; gnomAD exomes 0.00001; TOPMed 0.00001.
gnomAD v4.1: 32 of 1,610,620 alleles (0.002%); highest among the groups gnomAD compares: Non-Finnish European, 0.0026%; no homozygotes.

Submissions (2):

CeGaT Center for Human Genetics Tuebingen
Classification: Uncertain significance. Last evaluated: 2024-11-01. Review status: criteria provided, single submitter. Criteria: CeGaT Center For Human Genetics Tuebingen Variant Classification Criteria Version 2. Collection method: clinical testing. Allele origin: germline. Affected: yes. Observed: 1 variant allele.
Comment: TTN: PM2

Labcorp Genetics (formerly Invitae), Labcorp
Classification: Uncertain significance for Dilated cardiomyopathy 1G; Autosomal recessive limb-girdle muscular dystrophy type 2J. Last evaluated: 2017-06-12. Review status: criteria provided, single submitter. Criteria: Invitae Variant Classification Sherloc (09022015). Collection method: clinical testing. Allele origin: germline.